The following is an entry in ClinVar:

NM_024685.4(BBS10):c.221G>T (p.Ser74Ile)

Gene: BBS10 (Bardet-Biedl syndrome 10; minus strand). Cytogenetic location: 12q21.2.
Variant type: single nucleotide variant.
Coding change: c.221G>T on transcript NM_024685.4 (MANE Select); coding-DNA position 221, G replaced by T.
Protein change: p.Ser74Ile; replaces serine 74 with isoleucine.
Molecular consequence: missense variant.
Genome position (GRCh38, 1-based): chr12:76,347,764, C>A on the plus strand (G>T on the coding strand, the complement: BBS10 is on the minus strand). VCF-style: chr12-76347764-C-A. GRCh37 (hg19) VCF-style: chr12-76741544-C-A.
Other names: c.221G>T (NM_024685.3); short protein forms S74I.
Identifiers: ClinVar variation 2417728 (VCV002417728.4), dbSNP rs753579130, ClinGen allele CA6694384.

ClinVar aggregate classification (germline): Uncertain significance. Review status: criteria provided, single submitter (1 of 4 stars). 2 submissions from 2 submitters: Uncertain significance (1). 1 of the submissions does not count toward it. Last evaluated 2022-02-13.

Conditions:
BBS10-related disorder. Also called: BBS10-related condition.
Bardet-Biedl syndrome (BBS). Identifiers: Orphanet 110, MedGen C0752166, MONDO:0015229.

Allele frequency attached by ClinVar (database versions not stated): ExAC 0.00001; gnomAD 0.00001; TOPMed 0.00001; gnomAD exomes 0.00003.
gnomAD v4.1: 40 of 1,602,276 alleles (0.0025%); highest among the groups gnomAD compares: Non-Finnish European, 0.0034%; no homozygotes.

Submissions (2):

Labcorp Genetics (formerly Invitae), Labcorp
Classification: Uncertain significance for Bardet-Biedl syndrome. Last evaluated: 2022-02-13. Review status: criteria provided, single submitter. Criteria: Invitae Variant Classification Sherloc (09022015). Collection method: clinical testing. Allele origin: germline.
Comment: This sequence change replaces serine, which is neutral and polar, with isoleucine, which is neutral and non-polar, at codon 74 of the BBS10 protein (p.Ser74Ile). This variant is present in population databases (rs753579130, gnomAD 0.005%). This variant has not been reported in the literature in individuals affected with BBS10-related conditions. Algorithms developed to predict the effect of missense changes on protein structure and function are either unavailable or do not agree on the potential impact of this missense change (SIFT: "Deleterious"; PolyPhen-2: "Possibly Damaging"; Align-GVGD: "Class C0"). In summary, the available evidence is currently insufficient to determine the role of this variant in disease. Therefore, it has been classified as a Variant of Uncertain Significance.

PreventionGenetics, part of Exact Sciences
Classification: Uncertain significance for BBS10-related condition. Last evaluated: 2024-04-22. Review status: no assertion criteria provided. Collection method: clinical testing. Allele origin: germline. Not counted in ClinVar's aggregate classification.
Comment: The BBS10 c.221G>T variant is predicted to result in the amino acid substitution p.Ser74Ile. To our knowledge, this variant has not been reported in the literature. This variant is reported in 0.0048% of alleles in individuals of European (Non-Finnish) descent in gnomAD. At this time, the clinical significance of this variant is uncertain due to the absence of conclusive functional and genetic evidence.